The following is an entry in ClinVar:

ClinVar aggregate classification (germline): Likely pathogenic (1 of 4 stars; one submission).

Conditions:
Nemaline myopathy 2 (NEM2). Also called: Nemaline myopathy 2, autosomal recessive. Identifiers: MedGen C1850569, MONDO:0009725, OMIM 256030.

Submission:

Natera, Inc.
Classification: Likely pathogenic for Nemaline myopathy type 2. Last evaluated: 2024-12-27. Review status: criteria provided, single submitter. Criteria: Natera Variant Classification Schema (03/2026). Collection method: clinical testing. Allele origin: germline.
Comment: The c.24753dup variant in NEB is a frameshift variant predicted to shift the reading frame beginning at codon 8252 and leads to a stop codon 7 codons downstream. This variant is expected to result in nonsense mediated decay, truncation, or a dysfunctional protein product. This variant is rare in the general population with a frequency below the threshold expected for the associated phenotype(s). Given the available evidence, this variant is classified as Likely Pathogenic.

NM_001164508.2(NEB):c.24648dup (p.Arg8217fs)

Genes: NEB (nebulin; minus strand), RIF1 (replication timing regulatory factor 1; plus strand). Cytogenetic location: 2q23.3.
Variant type: Duplication.
Coding change: c.24648dup on transcript NM_001164508.2 (MANE Select); coding-DNA position 24648, one base duplicated (A; older notation c.24648dupA).
Protein change: p.Arg8217fs; shifts the reading frame from arginine 8217.
Molecular consequence: frameshift variant.
Genome position (GRCh38, 1-based): chr2:151,493,799, T duplicated on the plus strand (A on the coding strand, the reverse complement: NEB is on the minus strand); the first of 3 consecutive T bases (chr2:151,493,799-151,493,801); duplicating any one gives the same sequence. VCF-style (leftmost placement, unchanged base first): chr2-151493798-G-GT. GRCh37 (hg19) VCF-style: chr2-152350312-G-GT.
Other names: c.24753dup (NM_001271208.1); c.24648dup, p.Arg8217fs (NM_001164507.2); c.24753dup, p.Arg8252fs (NM_001271208.2); c.19080dup, p.Arg6361fs (NM_004543.5); short protein forms R6361fs, R8217fs, R8252fs.
Identifiers: ClinVar variation 4814767 (VCV004814767.1).